The following is an entry in ClinVar:

ClinVar aggregate classification (germline): Conflicting classifications of pathogenicity. Review status: criteria provided, conflicting classifications (1 of 4 stars). 6 submissions from 6 submitters: Uncertain significance (3); Benign (1); Likely benign (2). Last evaluated 2026-03-03.

Conditions:
Hemoglobin, high altitude adaptation (HALAH). Identifiers: MedGen C1836778, OMIM 609070.
Erythrocytosis, familial, 3 (ECYT3). Identifiers: Orphanet 247511, MedGen C1853286, MONDO:0012353, OMIM 609820.

Allele frequency attached by ClinVar (database versions not stated): ExAC below 0.00001; gnomAD exomes 0.00014 and 0.00022; 1000 Genomes Project 0.00200; gnomAD 0.00228 and 0.00236; 1000 Genomes Project 30x 0.00234; TOPMed 0.00313.
gnomAD v4.1: 624 of 1,330,222 alleles (0.047%); highest among the groups gnomAD compares: African/African-American, 0.86%; 1 homozygote.

Submissions (6):

Dasa
Classification: Likely benign. Last evaluated: 2026-03-03. Review status: criteria provided, single submitter. Criteria: DASA Assertion Criteria. Collection method: clinical testing. Allele origin: germline.
Comment: NM_022051.3(EGLN1):c.287C>T (p.Ala96Val) is a missense variant that results in the substitution of alanine with valine. Multiple computational predictions suggest no deleterious effect on the gene or gene product. The variant is present at low frequency in population datasets. Based on the available data, this variant is classified as likely benign.

Labcorp Genetics (formerly Invitae), Labcorp
Classification: Uncertain significance for Erythrocytosis, familial, 3. Last evaluated: 2026-01-28. Review status: criteria provided, single submitter. Criteria: Invitae Variant Classification Sherloc (09022015). Collection method: clinical testing. Allele origin: germline.
Comment: This sequence change replaces alanine, which is neutral and non-polar, with valine, which is neutral and non-polar, at codon 96 of the EGLN1 protein (p.Ala96Val). This variant is present in population databases (rs113401862, gnomAD 0.7%), and has an allele count higher than expected for a pathogenic variant. This variant has not been reported in the literature in individuals affected with EGLN1-related conditions. ClinVar contains an entry for this variant (Variation ID: 407206). An algorithm developed to predict the effect of missense changes on protein structure and function (PolyPhen-2) suggests that this variant is likely to be disruptive. In summary, the available evidence is currently insufficient to determine the role of this variant in disease. Therefore, it has been classified as a Variant of Uncertain Significance.

Ambry Genetics
Classification: Uncertain significance. Last evaluated: 2024-12-12. Review status: criteria provided, single submitter. Criteria: Ambry Variant Classification Scheme 2023. Collection method: clinical testing. Allele origin: germline.
Comment: The p.A96V variant (also known as c.287C>T), located in coding exon 1 of the EGLN1 gene, results from a C to T substitution at nucleotide position 287. The alanine at codon 96 is replaced by valine, an amino acid with similar properties. This amino acid position is not well conserved in available vertebrate species. In addition, this alteration is predicted to be tolerated by in silico analysis. Based on the available evidence, the clinical significance of this variant remains unclear.

Blueprint Genetics
Classification: Likely benign. Last evaluated: 2024-07-06. Review status: criteria provided, single submitter. Criteria: ACMG Guidelines, 2015. Collection method: clinical testing. Allele origin: germline.

Fulgent Genetics
Classification: Uncertain significance for Hemoglobin, high altitude adaptation; Erythrocytosis, familial, 3. Last evaluated: 2018-10-31. Review status: criteria provided, single submitter. Criteria: ACMG Guidelines, 2015. Collection method: clinical testing. Allele origin: unknown.

Illumina Laboratory Services, Illumina
Classification: Benign for Erythrocytosis, familial, 3. Last evaluated: 2018-01-13. Review status: criteria provided, single submitter. Criteria: ICSL Variant Classification Criteria 13 December 2019. Collection method: clinical testing. Allele origin: germline.
Comment: This variant was observed in the ICSL laboratory as part of a predisposition screen in an ostensibly healthy population. It had not been previously curated by ICSL or reported in the Human Gene Mutation Database (HGMD: prior to June 1st, 2018), and was therefore a candidate for classification through an automated scoring system. Utilizing variant allele frequency, disease prevalence and penetrance estimates, and inheritance mode, an automated score was calculated to assess if this variant is too frequent to cause the disease. Based on the score and internal cut-off values, a variant classified as benign is not then subjected to further curation. The score for this variant resulted in a classification of benign for this disease.

NM_022051.3(EGLN1):c.287C>T (p.Ala96Val)

Gene: EGLN1 (egl-9 family hypoxia inducible factor 1; minus strand). Cytogenetic location: 1q42.2.
Variant type: single nucleotide variant.
Coding change: c.287C>T on transcript NM_022051.3 (MANE Select); coding-DNA position 287, C replaced by T.
Protein change: p.Ala96Val; replaces alanine 96 with valine.
Molecular consequence: missense variant.
Genome position (GRCh38, 1-based): chr1:231,421,602, G>A on the plus strand (C>T on the coding strand, the complement: EGLN1 is on the minus strand). VCF-style: chr1-231421602-G-A. GRCh37 (hg19) VCF-style: chr1-231557348-G-A.
Other names: c.287C>T, p.Ala96Val (NM_001377260.1, NM_001377261.1); short protein forms A96V.
Identifiers: ClinVar variation 407206 (VCV000407206.17), dbSNP rs113401862, ClinGen allele CA1453189.